The following is an entry in ClinVar:

NM_003924.4(PHOX2B):c.241+4A>G

Genes: PHOX2B (paired like homeobox 2B; minus strand), PHOX2B-AS1 (PHOX2B antisense RNA 1; plus strand). Cytogenetic location: 4p13.
Variant type: single nucleotide variant.
Coding change: c.241+4A>G on transcript NM_003924.4 (MANE Select); 4 bases into the intron after coding-DNA position 241, A replaced by G.
Molecular consequence: intron variant. On other transcripts: non-coding transcript variant (1).
Genome position (GRCh38, 1-based): chr4:41,748,366, T>C on the plus strand (A>G on the coding strand, the complement: PHOX2B is on the minus strand). VCF-style: chr4-41748366-T-C. GRCh37 (hg19) VCF-style: chr4-41750383-T-C.
Identifiers: ClinVar variation 2735922 (VCV002735922.3), dbSNP rs2552097155, ClinGen allele CA438979481.

ClinVar aggregate classification (germline): Uncertain significance (1 of 4 stars; one submission).

Conditions:
Haddad syndrome (OHD). Also called: Ondine-Hirschsprung disease. Identifiers: Orphanet 99803, MedGen C1859049, MONDO:0020493.

gnomAD v4.1: 1 of 1,614,064 alleles (0.000062%); no homozygotes.

Submission:

Labcorp Genetics (formerly Invitae), Labcorp
Classification: Uncertain significance for Haddad syndrome. Last evaluated: 2023-10-10. Review status: criteria provided, single submitter. Criteria: Invitae Variant Classification Sherloc (09022015). Collection method: clinical testing. Allele origin: germline.
Comment: This sequence change falls in intron 1 of the PHOX2B gene. It does not directly change the encoded amino acid sequence of the PHOX2B protein. It affects a nucleotide within the consensus splice site. This variant is not present in population databases (gnomAD no frequency). This variant has not been reported in the literature in individuals affected with PHOX2B-related conditions. Variants that disrupt the consensus splice site are a relatively common cause of aberrant splicing (PMID: 17576681, 9536098). Algorithms developed to predict the effect of sequence changes on RNA splicing suggest that this variant is not likely to affect RNA splicing. In summary, the available evidence is currently insufficient to determine the role of this variant in disease. Therefore, it has been classified as a Variant of Uncertain Significance.

Literature cited by the submitters: PubMed 17576681; PubMed 9536098.